The following is an entry in ClinVar:

ClinVar aggregate classification (germline): Uncertain significance (1 of 4 stars; one submission).

Conditions:
Long QT syndrome (LQTS). Identifiers: MedGen C0023976, MeSH D008133, MONDO:0002442. Disease mechanism: loss of function. Inheritance: Various modes of inheritance.

Allele frequency attached by ClinVar (database versions not stated): gnomAD exomes below 0.00001.

Submission:

Labcorp Genetics (formerly Invitae), Labcorp
Classification: Uncertain significance for Long QT syndrome. Last evaluated: 2021-08-18. Review status: criteria provided, single submitter. Criteria: Invitae Variant Classification Sherloc (09022015). Collection method: clinical testing. Allele origin: germline.
Comment: This sequence change replaces lysine with glutamic acid at codon 3382 of the AKAP9 protein (p.Lys3382Glu). The lysine residue is moderately conserved and there is a small physicochemical difference between lysine and glutamic acid. This variant is not present in population databases (ExAC no frequency). This variant has not been reported in the literature in individuals affected with AKAP9-related conditions. Algorithms developed to predict the effect of missense changes on protein structure and function are either unavailable or do not agree on the potential impact of this missense change (SIFT: "Tolerated"; PolyPhen-2: "Probably Damaging"; Align-GVGD: "Class C0"). In summary, the available evidence is currently insufficient to determine the role of this variant in disease. Therefore, it has been classified as a Variant of Uncertain Significance.

NM_005751.5(AKAP9):c.10144A>G (p.Lys3382Glu)

Gene: AKAP9 (A-kinase anchoring protein 9; plus strand). Cytogenetic location: 7q21.2.
Variant type: single nucleotide variant.
Coding change: c.10144A>G on transcript NM_005751.5 (MANE Select); coding-DNA position 10144, A replaced by G.
Protein change: p.Lys3382Glu; replaces lysine 3382 with glutamic acid.
Molecular consequence: missense variant.
Genome position (GRCh38, 1-based): chr7:92,097,103, A>G. VCF-style: chr7-92097103-A-G. GRCh37 (hg19) VCF-style: chr7-91726417-A-G.
Other names: c.4789A>G, p.Lys1597Glu (NM_001379277.1); c.10120A>G, p.Lys3374Glu (NM_147185.3); short protein forms K1597E, K3382E, K3374E.
Identifiers: ClinVar variation 1513622 (VCV001513622.6), dbSNP rs2130901610, ClinGen allele CA368153955.